The following is an entry in ClinVar:

NM_001042681.2(RERE):c.2144_2145delinsCT (p.Ile715Thr)

Gene: RERE (arginine-glutamic acid dipeptide repeats; minus strand). Cytogenetic location: 1p36.23.
Variant type: Indel.
Coding change: c.2144_2145delinsCT on transcript NM_001042681.2 (MANE Select); coding-DNA positions 2144 to 2145, TC replaced by CT.
Protein change: p.Ile715Thr; replaces isoleucine 715 with threonine.
Molecular consequence: missense variant.
Genome position (GRCh38, 1-based): chr1:8,361,362-8,361,363, GA replaced by AG on the plus strand (TC replaced by CT on the coding strand, the reverse complement: RERE is on the minus strand). VCF-style: chr1-8361362-GA-AG. GRCh37 (hg19) VCF-style: chr1-8421422-GA-AG.
Other names: c.482_483delinsCT, p.Ile161Thr (NM_001042682.2); c.2144_2145delinsCT, p.Ile715Thr (NM_012102.4); short protein forms I161T, I715T.
Identifiers: ClinVar variation 1307935 (VCV001307935.2), dbSNP rs2124369272, ClinGen allele CA2573051626.

ClinVar aggregate classification (germline): Uncertain significance (1 of 4 stars; one submission).

Submission:

GeneDx
Classification: Uncertain significance. Last evaluated: 2019-08-07. Review status: criteria provided, single submitter. Criteria: GeneDx Variant Classification Process June 2021. Collection method: clinical testing. Allele origin: germline. Affected: yes.
Comment: Not observed in large population cohorts (Lek et al., 2016); In silico analysis, which includes protein predictors and evolutionary conservation, supports a deleterious effect; Has not been previously published as pathogenic or benign to our knowledge